The following is an entry in ClinVar:

NM_005751.5(AKAP9):c.1204G>A (p.Glu402Lys)

Gene: AKAP9 (A-kinase anchoring protein 9; plus strand). Cytogenetic location: 7q21.2.
Variant type: single nucleotide variant.
Coding change: c.1204G>A on transcript NM_005751.5 (MANE Select); coding-DNA position 1204, G replaced by A.
Protein change: p.Glu402Lys; replaces glutamic acid 402 with lysine.
Molecular consequence: missense variant.
Genome position (GRCh38, 1-based): chr7:92,001,121, G>A. VCF-style: chr7-92001121-G-A. GRCh37 (hg19) VCF-style: chr7-91630435-G-A.
Other names: c.1204G>A, p.Glu402Lys (NM_147185.3); short protein forms E402K.
Identifiers: ClinVar variation 519331 (VCV000519331.17), dbSNP rs146022334, ClinGen allele CA4335977.

ClinVar aggregate classification (germline): Conflicting classifications of pathogenicity. Review status: criteria provided, conflicting classifications (1 of 4 stars). 5 submissions from 5 submitters: Uncertain significance (4); Likely benign (1). Last evaluated 2025-07-16.

Conditions:
Long QT syndrome (LQTS). Identifiers: MedGen C0023976, MeSH D008133, MONDO:0002442. Disease mechanism: loss of function. Inheritance: Various modes of inheritance.
Cardiovascular phenotype. Identifiers: MedGen CN230736.
Long QT syndrome 11 (LQT11). Identifiers: Orphanet 101016, Orphanet 768, MedGen C2678483, MONDO:0012738, OMIM 611820.

Allele frequency attached by ClinVar (database versions not stated): ExAC 0.00003; gnomAD exomes 0.00003 and 0.00005; ESP Exome Variant Server 0.00008; gnomAD 0.00017 and 0.00019; TOPMed 0.00023.
gnomAD v4.1: 78 of 1,613,790 alleles (0.0048%); highest among the groups gnomAD compares: African/African-American, 0.076%; no homozygotes.

Submissions (5):

Labcorp Genetics (formerly Invitae), Labcorp
Classification: Uncertain significance for Long QT syndrome. Last evaluated: 2025-07-16. Review status: criteria provided, single submitter. Criteria: Invitae Variant Classification Sherloc (09022015). Collection method: clinical testing. Allele origin: germline.
Comment: This sequence change replaces glutamic acid, which is acidic and polar, with lysine, which is basic and polar, at codon 402 of the AKAP9 protein (p.Glu402Lys). This variant is present in population databases (rs146022334, gnomAD 0.07%), and has an allele count higher than expected for a pathogenic variant. This variant has not been reported in the literature in individuals affected with AKAP9-related conditions. ClinVar contains an entry for this variant (Variation ID: 519331). An algorithm developed to predict the effect of missense changes on protein structure and function (PolyPhen-2) suggests that this variant is likely to be disruptive. In summary, the available evidence is currently insufficient to determine the role of this variant in disease. Therefore, it has been classified as a Variant of Uncertain Significance.

Ambry Genetics
Classification: Likely benign for Cardiovascular phenotype. Last evaluated: 2022-10-03. Review status: criteria provided, single submitter. Criteria: Ambry Variant Classification Scheme 2023. Collection method: clinical testing. Allele origin: germline.

Fulgent Genetics
Classification: Uncertain significance for Long QT syndrome 11. Last evaluated: 2021-09-14. Review status: criteria provided, single submitter. Criteria: ACMG Guidelines, 2015. Collection method: clinical testing. Allele origin: unknown.

Center for Genomics, Ann and Robert H. Lurie Children's Hospital of Chicago
Classification: Uncertain significance for Long QT syndrome 11. Last evaluated: 2021-03-30. Review status: criteria provided, single submitter. Criteria: ACMG Guidelines, 2015. Collection method: clinical testing. Allele origin: germline.
Comment: AKAP9 NM_005751.4 exon 8 p.Glu402Lys (c.1204G>A): This variant has not been reported in the literature but is present in 0.06% (17/24482) of African alleles in the Genome Aggregation Database. This variant is present in ClinVar (Variation ID:519331). Evolutionary conservation and computational predictive tools suggest that this variant may impact the protein. In summary, data on this variant is insufficient for disease classification. Therefore, the clinical significance of this variant is uncertain.

Baylor Genetics
Classification: Uncertain significance for Long QT syndrome 11. Last evaluated: 2020-02-10. Review status: criteria provided, single submitter. Criteria: ACMG Guidelines, 2015. Collection method: clinical testing. Allele origin: unknown. Affected: yes.
Comment: This variant was determined to be of uncertain significance according to ACMG Guidelines, 2015 [PMID:25741868].